The following is an entry in ClinVar:

ClinVar aggregate classification (germline): Benign. Review status: criteria provided, multiple submitters, no conflicts (2 of 4 stars). 3 submissions from 3 submitters: Benign (2). 1 of the submissions does not count toward it. Last evaluated 2018-07-31.

Conditions:
DNAH6-related disorder. Also called: DNAH6-related condition.

Allele frequency attached by ClinVar (database versions not stated): gnomAD exomes 0.00118; ExAC 0.00220; gnomAD 0.00527 and 0.00567; 1000 Genomes Project 30x 0.00531; 1000 Genomes Project 0.00579; TOPMed 0.00621; ESP Exome Variant Server 0.00635.
gnomAD v4.1: 1,590 of 1,551,188 alleles (0.1%); highest among the groups gnomAD compares: African/African-American, 1.9%; 16 homozygotes.

Submissions (3):

Labcorp Genetics (formerly Invitae), Labcorp
Classification: Benign. Last evaluated: 2018-07-31. Review status: criteria provided, single submitter. Criteria: Invitae Variant Classification Sherloc (09022015). Collection method: clinical testing. Allele origin: germline.

Breakthrough Genomics
Classification: Benign. Review status: criteria provided, single submitter. Criteria: ACMG Guidelines, 2015. Collection method: not provided. Allele origin: germline. Inheritance: Unknown mechanism. Affected: yes.

PreventionGenetics, part of Exact Sciences
Classification: Benign for DNAH6-related condition. Last evaluated: 2019-12-06. Review status: no assertion criteria provided. Collection method: clinical testing. Allele origin: germline. Not counted in ClinVar's aggregate classification.
Comment: This variant is classified as benign based on ACMG/AMP sequence variant interpretation guidelines (Richards et al. 2015 PMID: 25741868, with internal and published modifications).

NM_001370.2(DNAH6):c.12419G>A (p.Arg4140Gln)

Gene: DNAH6 (dynein axonemal heavy chain 6; plus strand). Cytogenetic location: 2p11.2.
Variant type: single nucleotide variant.
Coding change: c.12419G>A on transcript NM_001370.2 (MANE Select); coding-DNA position 12419, G replaced by A.
Protein change: p.Arg4140Gln; replaces arginine 4140 with glutamine.
Molecular consequence: missense variant.
Genome position (GRCh38, 1-based): chr2:84,819,350, G>A. VCF-style: chr2-84819350-G-A. GRCh37 (hg19) VCF-style: chr2-85046474-G-A.
Other names: short protein forms R4140Q.
Identifiers: ClinVar variation 787769 (VCV000787769.6), dbSNP rs78316943, ClinGen allele CA1737897.